The following is an entry in ClinVar:

NM_016148.5(SHANK1):c.3505G>A (p.Gly1169Ser)

Gene: SHANK1 (SH3 and multiple ankyrin repeat domains 1; minus strand). Cytogenetic location: 19q13.33.
Variant type: single nucleotide variant.
Coding change: c.3505G>A on transcript NM_016148.5 (MANE Select); coding-DNA position 3505, G replaced by A.
Protein change: p.Gly1169Ser; replaces glycine 1169 with serine.
Molecular consequence: missense variant.
Genome position (GRCh38, 1-based): chr19:50,668,455, C>T on the plus strand (G>A on the coding strand, the complement: SHANK1 is on the minus strand). VCF-style: chr19-50668455-C-T. GRCh37 (hg19) VCF-style: chr19-51171712-C-T.
Other names: short protein forms G1169S.
Identifiers: ClinVar variation 2751946 (VCV002751946.3), dbSNP rs761991329, ClinGen allele CA9601294.

ClinVar aggregate classification (germline): Uncertain significance (1 of 4 stars; one submission).

Allele frequency attached by ClinVar (database versions not stated): gnomAD exomes below 0.00001; TOPMed below 0.00001; ExAC 0.00001; gnomAD 0.00001.
gnomAD v4.1: 3 of 1,334,306 alleles (0.00022%); highest among the groups gnomAD compares: Admixed American, 0.0062%; no homozygotes.

Submission:

Labcorp Genetics (formerly Invitae), Labcorp
Classification: Uncertain significance. Last evaluated: 2024-02-18. Review status: criteria provided, single submitter. Criteria: Invitae Variant Classification Sherloc (09022015). Collection method: clinical testing. Allele origin: germline.
Comment: This sequence change replaces glycine, which is neutral and non-polar, with serine, which is neutral and polar, at codon 1169 of the SHANK1 protein (p.Gly1169Ser). The frequency data for this variant in the population databases is considered unreliable, as metrics indicate poor data quality at this position in the gnomAD database. This variant has not been reported in the literature in individuals affected with SHANK1-related conditions. Experimental studies and prediction algorithms are not available or were not evaluated, and the functional significance of this variant is currently unknown. In summary, the available evidence is currently insufficient to determine the role of this variant in disease. Therefore, it has been classified as a Variant of Uncertain Significance.